The following is an entry in ClinVar:

NM_000498.3(CYP11B2):c.1122-16_1135dup

Genes: CYP11B2 (cytochrome P450 family 11 subfamily B member 2; minus strand), LOC106799834 (CYP11B2 recombination region; plus strand). Cytogenetic location: 8q24.3.
Variant type: Duplication.
Coding change: c.1122-16_1135dup on transcript NM_000498.3 (MANE Select); 16 bases into the intron before coding-DNA position 1122 through coding-DNA position 1135, 30 bases duplicated (ATGCCCCCACCTCCAGGCTCTACCCTGTGG).
Molecular consequence: splice acceptor variant.
Genome position (GRCh38, 1-based): chr8:142,912,872-142,912,901, CCACAGGGTAGAGCCTGGAGGTGGGGGCAT duplicated on the plus strand (ATGCCCCCACCTCCAGGCTCTACCCTGTGG on the coding strand, the reverse complement: CYP11B2 is on the minus strand); duplicating any 30 consecutive bases within chr8:142,912,872-142,912,904 gives the same sequence; the c. name uses the placement nearest the transcript's 3' end. VCF-style (leftmost placement, unchanged base first): chr8-142912871-C-CCCACAGGGTAGAGCCTGGAGGTGGGGGCAT. GRCh37 (hg19) VCF-style: chr8-143994287-C-CCCACAGGGTAGAGCCTGGAGGTGGGGGCAT.
Identifiers: ClinVar variation 2674690 (VCV002674690.1), dbSNP rs2488698556, ClinGen allele CA2741808826.
Genomic context (GRCh38, chr8:142,912,871, plus strand): 5'-GCTGGGATGTGGTAGTTCTGAAGCACCAAGTCTGAGCTCACCACTCGCTCCAAAAACAGA[C>CCCACAGGGTAGAGCCTGGAGGTGGGGGCAT]CCACAGGGTAGAGCCTGGAGGTGGGGGCATCCATAGAAAGGGTCCTCAGCTGGATGGGGC-3'

ClinVar aggregate classification (germline): Likely pathogenic (1 of 4 stars; one submission).

Conditions:
CYP11B2-related disorder.

Submission:

Clinical Biochemistry Laboratory, Health Services Laboratory
Classification: Likely pathogenic for CYP11B2-related disorder. Last evaluated: 2023-11-20. Review status: criteria provided, single submitter. Criteria: ACMG Guidelines, 2015. Collection method: clinical testing. Allele origin: germline. Affected: yes.
Comment: ACMG:PM2 PM4 PP1 PP4